The following is an entry in ClinVar:

NM_014727.3(KMT2B):c.5231C>A (p.Ser1744Tyr)

Gene: KMT2B (lysine methyltransferase 2B; plus strand). Cytogenetic location: 19q13.12.
Variant type: single nucleotide variant.
Coding change: c.5231C>A on transcript NM_014727.3 (MANE Select); coding-DNA position 5231, C replaced by A.
Protein change: p.Ser1744Tyr; replaces serine 1744 with tyrosine.
Molecular consequence: missense variant.
Genome position (GRCh38, 1-based): chr19:35,730,571, C>A. VCF-style: chr19-35730571-C-A. GRCh37 (hg19) VCF-style: chr19-36221472-C-A.
Other names: short protein forms S1744Y.
Identifiers: ClinVar variation 2631509 (VCV002631509.1), dbSNP rs1969652006, ClinGen allele CA405420195.

ClinVar aggregate classification (germline): Uncertain significance (1 of 4 stars; one submission).

Conditions:
KMT2B-related disorder. Also called: KMT2B-related condition; KMT2B-related disorders. Identifiers: MedGen CN381338.

Submission:

PreventionGenetics, part of Exact Sciences
Classification: Uncertain significance for KMT2B-related condition. Last evaluated: 2023-07-18. Review status: criteria provided, single submitter. Criteria: ACMG Guidelines, 2015. Collection method: clinical testing. Allele origin: germline.
Comment: The KMT2B c.5231C>A variant is predicted to result in the amino acid substitution p.Ser1744Tyr. To our knowledge, this variant has not been reported in the literature or in a large population database, indicating this variant is rare. At this time, the clinical significance of this variant is uncertain due to the absence of conclusive functional and genetic evidence.